The following is an entry in ClinVar:

ClinVar aggregate classification (germline): Pathogenic (1 of 4 stars; one submission).

Conditions:
Developmental and epileptic encephalopathy 94 (DEE94). Also called: CHD2-Related Neurodevelopmental Disorders; Epileptic encephalopathy, childhood-onset. Identifiers: Orphanet 1942, Orphanet 2382, MedGen C3809278, MONDO:0014150, OMIM 615369.

Submission:

Labcorp Genetics (formerly Invitae), Labcorp
Classification: Pathogenic for Developmental and epileptic encephalopathy 94. Last evaluated: 2023-12-21. Review status: criteria provided, single submitter. Criteria: Invitae Variant Classification Sherloc (09022015). Collection method: clinical testing. Allele origin: germline.
Comment: This sequence change creates a premature translational stop signal (p.Tyr525*) in the CHD2 gene. It is expected to result in an absent or disrupted protein product. Loss-of-function variants in CHD2 are known to be pathogenic (PMID: 23708187, 24207121). This variant is not present in population databases (gnomAD no frequency). This variant has not been reported in the literature in individuals affected with CHD2-related conditions. Algorithms developed to predict the effect of sequence changes on RNA splicing suggest that this variant may disrupt the consensus splice site. For these reasons, this variant has been classified as Pathogenic.

Literature cited by the submitters: PubMed 23708187; PubMed 24207121.

NM_001271.4(CHD2):c.1575C>A (p.Tyr525Ter)

Gene: CHD2 (chromodomain helicase DNA binding protein 2; plus strand). Cytogenetic location: 15q26.1.
Variant type: single nucleotide variant.
Coding change: c.1575C>A on transcript NM_001271.4 (MANE Select); coding-DNA position 1575, C replaced by A.
Protein change: p.Tyr525Ter; replaces tyrosine 525 with a stop codon.
Molecular consequence: nonsense.
Genome position (GRCh38, 1-based): chr15:92,953,429, C>A. VCF-style: chr15-92953429-C-A. GRCh37 (hg19) VCF-style: chr15-93496659-C-A.
Other names: short protein forms Y525*.
Identifiers: ClinVar variation 2704737 (VCV002704737.3), dbSNP rs1334127880, ClinGen allele CA393904932.
Genomic context (GRCh38, chr15:92,953,429, plus strand): 5'-AATCCTTGCTGATGAAATGGGCCTAGGAAAGACCATCCAGACCATATCATTCCTCTCCTA[C>A]CTGTTCCACCAACACCAGCTGTATGGCCCCTTTCTTATAGTCGTCCCTTTATCCACCCTC-3'